The following is an entry in ClinVar:

ClinVar aggregate classification (germline): Uncertain significance (1 of 4 stars; one submission).

Conditions:
Autoimmune enteropathy and endocrinopathy - susceptibility to chronic infections syndrome. Also called: Immunodeficiency 31C; Immunodeficiency 31C, autosomal dominant. Identifiers: Orphanet 391487, MedGen C3279990, MONDO:0013599, OMIM 614162.
Mendelian susceptibility to mycobacterial diseases due to partial STAT1 deficiency. Also called: IMMUNODEFICIENCY 31A, MYCOBACTERIOSIS, AUTOSOMAL DOMINANT; STAT1 DEFICIENCY, AUTOSOMAL DOMINANT; Immunodeficiency 31a. Identifiers: Orphanet 319595, MedGen C4013950, MONDO:0013956, OMIM 614892.
Immunodeficiency 31B. Also called: STAT1 DEFICIENCY, AUTOSOMAL RECESSIVE; IMMUNODEFICIENCY 31B, MYCOBACTERIAL AND VIRAL INFECTIONS, AUTOSOMAL RECESSIVE. Identifiers: Orphanet 391311, MedGen C3151088, MONDO:0013427, OMIM 613796.

gnomAD v4.1: 1 of 1,614,084 alleles (0.000062%); no homozygotes.

Submission:

Labcorp Genetics (formerly Invitae), Labcorp
Classification: Uncertain significance for Mendelian susceptibility to mycobacterial diseases due to partial STAT1 deficiency; Immunodeficiency 31B; Autoimmune enteropathy and endocrinopathy - susceptibility to chronic infections syndrome. Last evaluated: 2025-07-04. Review status: criteria provided, single submitter. Criteria: Invitae Variant Classification Sherloc (09022015). Collection method: clinical testing. Allele origin: germline.
Comment: This sequence change replaces alanine, which is neutral and non-polar, with serine, which is neutral and polar, at codon 676 of the STAT1 protein (p.Ala676Ser). This variant is not present in population databases (gnomAD no frequency). This variant has not been reported in the literature in individuals affected with STAT1-related conditions. An algorithm developed to predict the effect of missense changes on protein structure and function (PolyPhen-2) suggests that this variant is likely to be disruptive. In summary, the available evidence is currently insufficient to determine the role of this variant in disease. Therefore, it has been classified as a Variant of Uncertain Significance.

NM_007315.4(STAT1):c.2026G>T (p.Ala676Ser)

Gene: STAT1 (signal transducer and activator of transcription 1; minus strand). Cytogenetic location: 2q32.2.
Variant type: single nucleotide variant.
Coding change: c.2026G>T on transcript NM_007315.4 (MANE Select); coding-DNA position 2026, G replaced by T.
Protein change: p.Ala676Ser; replaces alanine 676 with serine.
Molecular consequence: missense variant. On other transcripts: intron variant (1).
Genome position (GRCh38, 1-based): chr2:190,976,873, C>A on the plus strand (G>T on the coding strand, the complement: STAT1 is on the minus strand). VCF-style: chr2-190976873-C-A. GRCh37 (hg19) VCF-style: chr2-191841599-C-A.
Other names: c.1966G>T, p.Ala656Ser (NM_001384880.1); c.2032G>T, p.Ala678Ser (NM_001384881.1); c.2020G>T, p.Ala674Ser (NM_001384882.1); c.1927G>T, p.Ala643Ser (NM_001384883.1); c.1867G>T, p.Ala623Ser (NM_001384885.1); c.2026G>T, p.Ala676Ser (NM_001384886.1, NM_001384889.1, NM_001437284.1 and 1 more transcripts); c.1933G>T, p.Ala645Ser (NM_001384887.1); c.1996G>T, p.Ala666Ser (NM_001384888.1); and 3 more; short protein forms A674S, A643S, A645S, A646S, A666S, A676S, A656S, A678S.
Identifiers: ClinVar variation 4783908 (VCV004783908.1).